The following is an entry in ClinVar:

NM_000228.3(LAMB3):c.823-15C>T

Gene: LAMB3 (laminin subunit beta 3; minus strand). Cytogenetic location: 1q32.2.
Variant type: single nucleotide variant.
Coding change: c.823-15C>T on transcript NM_000228.3 (MANE Select); 15 bases into the intron before coding-DNA position 823, C replaced by T.
Molecular consequence: intron variant.
Genome position (GRCh38, 1-based): chr1:209,630,750, G>A on the plus strand (C>T on the coding strand, the complement: LAMB3 is on the minus strand). VCF-style: chr1-209630750-G-A. GRCh37 (hg19) VCF-style: chr1-209804095-G-A.
Other names: c.823-15C>T (NM_001127641.1, NM_001017402.2).
Identifiers: ClinVar variation 255598 (VCV000255598.20), dbSNP rs4844863, ClinGen allele CA1375812.

ClinVar aggregate classification (germline): Benign. Review status: criteria provided, multiple submitters, no conflicts (2 of 4 stars). 9 submissions from 7 submitters: Benign (9). Last evaluated 2026-02-04.

Conditions:
Amelogenesis imperfecta type 1A. Also called: AMELOGENESIS IMPERFECTA, HYPOPLASTIC TYPE IA; Amelogenesis imperfecta local hypoplastic; Amelogenesis imperfecta, hypoplastic type; Amelogenesis imperfecta, type IA. Identifiers: Orphanet 88661, MedGen C4011403, MONDO:0007094, OMIM 104530.
Junctional epidermolysis bullosa. Identifiers: Orphanet 305, MedGen C0079301, MONDO:0017612.
Junctional epidermolysis bullosa gravis of Herlitz. Also called: EPIDERMOLYSIS BULLOSA JUNCTIONALIS, HERLITZ TYPE; EPIDERMOLYSIS BULLOSA, JUNCTIONAL, HERLITZ-PEARSON TYPE; JEB-HERLITZ TYPE; Herlitz-type junctional epidermolysis bullosa; Epidermolysis Bullosa Letalis; EPIDERMOLYSIS BULLOSA, JUNCTIONAL 1B, SEVERE. Identifiers: Orphanet 79404, MedGen C0079683, MONDO:0009182, OMIM 226700.
Junctional epidermolysis bullosa, non-Herlitz type. Also called: Epidermolysis bullosa, junctional, non-herlitz type, somatic mosaic revertant; EPIDERMOLYSIS BULLOSA JUNCTIONALIS, DISENTIS TYPE; EPIDERMOLYSIS BULLOSA JUNCTIONALIS, NON-HERLITZ TYPE; EPIDERMOLYSIS BULLOSA JUNCTIONALIS, PROGRESSIVE; EPIDERMOLYSIS BULLOSA JUNCTIONALIS, SEVERE NONLETHAL; COL17A1-Related Junctional Epidermolysis Bullosa. Identifiers: Orphanet 251393, Orphanet 79402, Orphanet 79405, Orphanet 89840, MedGen C0268374, MONDO:0009180, OMIM 226650.

Allele frequency attached by ClinVar (database versions not stated): 1000 Genomes Project 30x 0.82230; 1000 Genomes Project 0.82328; TOPMed 0.83905; ESP Exome Variant Server 0.84061; gnomAD 0.84106 and 0.84219; gnomAD exomes 0.84545 and 0.84563; ExAC 0.84717.

Submissions (9):

Labcorp Genetics (formerly Invitae), Labcorp
Classification: Benign. Last evaluated: 2026-02-04. Review status: criteria provided, single submitter. Criteria: Invitae Variant Classification Sherloc (09022015). Collection method: clinical testing. Allele origin: germline.

Blueprint Genetics
Classification: Benign. Last evaluated: 2024-11-26. Review status: criteria provided, single submitter. Criteria: ACMG Guidelines, 2015. Collection method: clinical testing. Allele origin: germline.

Genome-Nilou Lab
Classification: Benign for Amelogenesis imperfecta type 1A. Last evaluated: 2021-07-08. Review status: criteria provided, single submitter. Criteria: ACMG Guidelines, 2015. Collection method: clinical testing. Allele origin: germline. Affected: no.

Genome-Nilou Lab
Classification: Benign for Junctional epidermolysis bullosa gravis of Herlitz. Last evaluated: 2021-07-08. Review status: criteria provided, single submitter. Criteria: ACMG Guidelines, 2015. Collection method: clinical testing. Allele origin: germline. Affected: no.

Genome-Nilou Lab
Classification: Benign for Junctional epidermolysis bullosa, non-Herlitz type. Last evaluated: 2021-07-08. Review status: criteria provided, single submitter. Criteria: ACMG Guidelines, 2015. Collection method: clinical testing. Allele origin: germline. Affected: no.

Illumina Laboratory Services, Illumina
Classification: Benign for Junctional epidermolysis bullosa. Last evaluated: 2018-01-12. Review status: criteria provided, single submitter. Criteria: ICSL Variant Classification Criteria 13 December 2019. Collection method: clinical testing. Allele origin: germline.
Comment: This variant was observed in the ICSL laboratory as part of a predisposition screen in an ostensibly healthy population. It had not been previously curated by ICSL or reported in the Human Gene Mutation Database (HGMD: prior to June 1st, 2018), and was therefore a candidate for classification through an automated scoring system. Utilizing variant allele frequency, disease prevalence and penetrance estimates, and inheritance mode, an automated score was calculated to assess if this variant is too frequent to cause the disease. Based on the score and internal cut-off values, a variant classified as benign is not then subjected to further curation. The score for this variant resulted in a classification of benign for this disease.

GeneDx
Classification: Benign. Last evaluated: 2015-03-03. Review status: criteria provided, single submitter. Criteria: GeneDx Variant Classification Process June 2021. Collection method: clinical testing. Allele origin: germline. Affected: yes.

Breakthrough Genomics
Classification: Benign. Review status: criteria provided, single submitter. Criteria: ACMG Guidelines, 2015. Collection method: not provided. Allele origin: germline. Inheritance: Autosomal recessive inheritance. Affected: yes.

PreventionGenetics, part of Exact Sciences
Classification: Benign. Review status: criteria provided, single submitter. Criteria: ACMG Guidelines, 2015. Collection method: clinical testing. Allele origin: germline.